The following is an entry in ClinVar:

ClinVar aggregate classification (germline): Conflicting classifications of pathogenicity. Review status: criteria provided, conflicting classifications (1 of 4 stars). 20 submissions from 16 submitters: Uncertain significance (3); Benign (4); Likely benign (9). 4 of the submissions do not count toward it. Last evaluated 2026-06-13.

Conditions:
Dilated cardiomyopathy 1G (CMD1G). Identifiers: Orphanet 154, MedGen C1858763, MONDO:0011400, OMIM 604145.
Autosomal recessive limb-girdle muscular dystrophy type 2J (LGMDR10). Also called: MUSCULAR DYSTROPHY, LIMB-GIRDLE, AUTOSOMAL RECESSIVE 10; Limb-girdle muscular dystrophy, type 2J. Identifiers: Orphanet 140922, MedGen C1837342, MONDO:0012127, OMIM 608807.
Cardiovascular phenotype. Identifiers: MedGen CN230736.
TTN-related disorder. Also called: TTN-related disorders; TTN-related condition; TTN-related disease.
Cardiomyopathy (CMYO). Also called: Cardiomyopathies. Identifiers: Orphanet 167848, MedGen C0878544, MONDO:0004994, HP:0001638. Inheritance: Various modes of inheritance.
Early-onset myopathy with fatal cardiomyopathy (CMYO5). Also called: CONGENITAL MYOPATHY 5 WITH CARDIOMYOPATHY; Salih Myopathy. Identifiers: Orphanet 289377, MedGen C2673677, MONDO:0012714, OMIM 611705. Disease mechanism: loss of function.
Tibial muscular dystrophy (TMD). Also called: Udd Distal Myopathy – Tibial Muscular Dystrophy; Tibial muscular dystrophy, tardive; UDD MYOPATHY. Identifiers: Orphanet 609, MedGen C1838244, MONDO:0010870, OMIM 600334.
Myopathy, myofibrillar, 9, with early respiratory failure (MFM9). Also called: Myopathy, distal, with early respiratory failure, autosomal dominant; Hereditary myopathy with early respiratory failure; MYOPATHY, PROXIMAL, WITH EARLY RESPIRATORY MUSCLE INVOLVEMENT; EDSTROM MYOPATHY. Identifiers: Orphanet 178464, Orphanet 34521, MedGen C1863599, MONDO:0011362, OMIM 603689.

Allele frequency attached by ClinVar (database versions not stated): gnomAD exomes 0.00015 and 0.00032; 1000 Genomes Project 0.00080; ESP Exome Variant Server 0.00114; TOPMed 0.00164; ExAC 0.00040; 1000 Genomes Project 30x 0.00062; gnomAD 0.00126 and 0.00141.

Submissions (20):

Women's Health and Genetics/Laboratory Corporation of America, LabCorp
Classification: Likely benign. Last evaluated: 2026-06-13. Review status: criteria provided, single submitter. Criteria: LabCorp Variant Classification Summary - May 2015. Collection method: clinical testing. Allele origin: germline.
Comment: Variant summary: TTN c.58043G>A (p.Arg19348Gln) results in a conservative amino acid change in the encoded protein sequence. Algorithms developed to predict the effect of missense changes on protein structure and function are either unavailable or do not agree on the potential impact of this missense change. The variant allele was found at a frequency of 0.00032 in 245030 control chromosomes, predominantly at a frequency of 0.0038 within the African or African-American subpopulation in the gnomAD database. The observed variant frequency within African or African-American control individuals in the gnomAD database exceeds the estimated maximal expected allele frequency for disease-causing variants in TTN. To our knowledge, no occurrence of c.58043G>A in individuals affected with TTN-related conditions and no experimental evidence demonstrating its impact on protein function have been reported. ClinVar contains an entry for this variant (Variation ID: 47229). Based on the evidence outlined above, the variant was classified as likely benign.

Labcorp Genetics (formerly Invitae), Labcorp
Classification: Likely benign for Dilated cardiomyopathy 1G; Autosomal recessive limb-girdle muscular dystrophy type 2J. Last evaluated: 2026-02-03. Review status: criteria provided, single submitter. Criteria: Invitae Variant Classification Sherloc (09022015). Collection method: clinical testing. Allele origin: germline.

Molecular Diagnostic Laboratory for Inherited Cardiovascular Disease, Montreal Heart Institute
Classification: Likely benign. Last evaluated: 2025-04-09. Review status: criteria provided, single submitter. Criteria: ACMG Guidelines, 2015. Collection method: clinical testing. Allele origin: germline. Affected: no.

Blueprint Genetics
Classification: Likely benign. Last evaluated: 2024-11-05. Review status: criteria provided, single submitter. Criteria: ACMG Guidelines, 2015. Collection method: clinical testing. Allele origin: germline.

ARUP Laboratories, Molecular Genetics and Genomics, ARUP Laboratories
Classification: Likely benign. Last evaluated: 2021-04-13. Review status: criteria provided, single submitter. Criteria: ARUP Molecular Germline Variant Investigation Process 2021. Collection method: clinical testing. Allele origin: germline.

GeneDx
Classification: Likely benign. Last evaluated: 2021-04-13. Review status: criteria provided, single submitter. Criteria: GeneDx Variant Classification Process June 2021. Collection method: clinical testing. Allele origin: germline. Affected: yes.

Athena Diagnostics
Classification: Benign. Last evaluated: 2020-08-21. Review status: criteria provided, single submitter. Criteria: Athena Diagnostics Criteria. Collection method: clinical testing. Allele origin: unknown.

Illumina Laboratory Services, Illumina
Classification: Uncertain significance for Early-onset myopathy with fatal cardiomyopathy. Last evaluated: 2018-01-13. Review status: criteria provided, single submitter. Criteria: ICSL Variant Classification Criteria 13 December 2019. Collection method: clinical testing. Allele origin: germline.

Illumina Laboratory Services, Illumina
Classification: Benign for Tibial muscular dystrophy. Last evaluated: 2018-01-13. Review status: criteria provided, single submitter. Criteria: ICSL Variant Classification Criteria 13 December 2019. Collection method: clinical testing. Allele origin: germline.
Comment: This variant was observed in the ICSL laboratory as part of a predisposition screen in an ostensibly healthy population. It had not been previously curated by ICSL or reported in the Human Gene Mutation Database (HGMD: prior to June 1st, 2018), and was therefore a candidate for classification through an automated scoring system. Utilizing variant allele frequency, disease prevalence and penetrance estimates, and inheritance mode, an automated score was calculated to assess if this variant is too frequent to cause the disease. Based on the score and internal cut-off values, a variant classified as benign is not then subjected to further curation. The score for this variant resulted in a classification of benign for this disease.

Illumina Laboratory Services, Illumina
Classification: Benign for Myopathy, myofibrillar, 9, with early respiratory failure. Last evaluated: 2018-01-13. Review status: criteria provided, single submitter. Criteria: ICSL Variant Classification Criteria 13 December 2019. Collection method: clinical testing. Allele origin: germline.
Comment: the same text as in the submission from Illumina Laboratory Services, Illumina above.

Illumina Laboratory Services, Illumina
Classification: Uncertain significance for Dilated cardiomyopathy 1G. Last evaluated: 2018-01-13. Review status: criteria provided, single submitter. Criteria: ICSL Variant Classification Criteria 13 December 2019. Collection method: clinical testing. Allele origin: germline.

Illumina Laboratory Services, Illumina
Classification: Uncertain significance for Autosomal recessive limb-girdle muscular dystrophy type 2J. Last evaluated: 2018-01-13. Review status: criteria provided, single submitter. Criteria: ICSL Variant Classification Criteria 13 December 2019. Collection method: clinical testing. Allele origin: germline.

CHEO Genetics Diagnostic Laboratory, Children's Hospital of Eastern Ontario
Classification: Benign for Cardiomyopathy. Last evaluated: 2017-11-03. Review status: criteria provided, single submitter. Criteria: ACMG Guidelines, 2015. Collection method: clinical testing. Allele origin: germline.

Eurofins Ntd Llc (ga)
Classification: Likely benign. Last evaluated: 2016-01-21. Review status: criteria provided, single submitter. Criteria: EGL Classification Definitions 2015. Collection method: clinical testing. Allele origin: germline. Observed: 3 variant alleles, 3 heterozygotes.

Laboratory for Molecular Medicine, Mass General Brigham Personalized Medicine
Classification: Likely benign. Last evaluated: 2015-12-23. Review status: criteria provided, single submitter. Criteria: LMM Criteria. Collection method: clinical testing. Allele origin: germline. Observed: 4 variant alleles.
Comment: p.Arg19348Gln in exon 262 of TTN: This variant is not expected to have clinical significance because it has been identified in 0.4% (39/9376) of African chromos omes by the Exome Aggregation Consortium (ExAC; dbSNP dbSNP rs148849567).

Ambry Genetics
Classification: Likely benign for Cardiovascular phenotype. Last evaluated: 2012-12-03. Review status: criteria provided, single submitter. Criteria: Ambry Autosomal Dominant and X-Linked criteria (10/2015). Collection method: clinical testing. Allele origin: germline. Observed: 1 variant allele.

PreventionGenetics, part of Exact Sciences
Classification: Likely benign for TTN-related condition. Last evaluated: 2022-04-15. Review status: no assertion criteria provided. Collection method: clinical testing. Allele origin: germline. Not counted in ClinVar's aggregate classification.
Comment: This variant is classified as likely benign based on ACMG/AMP sequence variant interpretation guidelines (Richards et al. 2015 PMID: 25741868, with internal and published modifications).

Clinical Genetics DNA and cytogenetics Diagnostics Lab, Erasmus MC, Erasmus Medical Center
Classification: Likely benign. Review status: no assertion criteria provided. Collection method: clinical testing. Allele origin: germline. Affected: yes. Study: VKGL Data-share Consensus. Not counted in ClinVar's aggregate classification.

Clinical Genetics, Academic Medical Center
Classification: Benign. Review status: no assertion criteria provided. Collection method: clinical testing. Allele origin: germline. Affected: yes. Study: VKGL Data-share Consensus. Not counted in ClinVar's aggregate classification.

Genome Diagnostics Laboratory, University Medical Center Utrecht
Classification: Likely benign. Review status: no assertion criteria provided. Collection method: clinical testing. Allele origin: germline. Affected: yes. Study: VKGL Data-share Consensus. Not counted in ClinVar's aggregate classification.

NM_001267550.2(TTN):c.65747G>A (p.Arg21916Gln)

Genes: TTN (titin; minus strand), TTN-AS1 (TTN antisense RNA 1; plus strand). Cytogenetic location: 2q31.2.
Variant type: single nucleotide variant.
Coding change: c.65747G>A on transcript NM_001267550.2 (MANE Select); coding-DNA position 65747, G replaced by A.
Protein change: p.Arg21916Gln; replaces arginine 21916 with glutamine.
Molecular consequence: missense variant. On other transcripts: non-coding transcript variant (1).
Genome position (GRCh38, 1-based): chr2:178,583,056, C>T on the plus strand (G>A on the coding strand, the complement: TTN is on the minus strand). VCF-style: chr2-178583056-C-T. GRCh37 (hg19) VCF-style: chr2-179447783-C-T.
Other names: p.R20275Q:CGG>CAG; c.60824G>A, p.Arg20275Gln (NM_001256850.1); c.38552G>A, p.Arg12851Gln (NM_003319.4); c.58043G>A, p.Arg19348Gln (NM_133378.4); c.38927G>A, p.Arg12976Gln (NM_133432.3); c.39128G>A, p.Arg13043Gln (NM_133437.4); short protein forms R21916Q, R19348Q, R20275Q, R13043Q, R12851Q, R12976Q.
Identifiers: ClinVar variation 47229 (VCV000047229.42), dbSNP rs148849567, ClinGen allele CA140394.